The following is an entry in ClinVar:

ClinVar aggregate classification (germline): Uncertain significance. Review status: criteria provided, multiple submitters, no conflicts (2 of 4 stars). 2 submissions from 2 submitters: Uncertain significance (2). Last evaluated 2025-08-24.

Conditions:
Inborn genetic diseases. Identifiers: MedGen C0950123, MeSH D030342.

gnomAD v4.1: 15 of 1,613,386 alleles (0.00093%); highest among the groups gnomAD compares: African/African-American, 0.0013%; no homozygotes.

Submissions (2):

Ambry Genetics
Classification: Uncertain significance for Inborn genetic diseases. Last evaluated: 2025-08-24. Review status: criteria provided, single submitter. Criteria: Ambry Variant Classification Scheme 2023. Collection method: clinical testing. Allele origin: germline.

GeneDx
Classification: Uncertain significance. Last evaluated: 2024-05-22. Review status: criteria provided, single submitter. Criteria: GeneDx Variant Classification Process June 2021. Collection method: clinical testing. Allele origin: germline. Affected: yes.
Comment: Not observed at significant frequency in large population cohorts (gnomAD); In silico analysis supports that this missense variant does not alter protein structure/function; Has not been previously published as pathogenic or benign to our knowledge

NM_173630.4(RTTN):c.1643A>G (p.Tyr548Cys)

Gene: RTTN (rotatin; minus strand). Cytogenetic location: 18q22.2.
Variant type: single nucleotide variant.
Coding change: c.1643A>G on transcript NM_173630.4 (MANE Select); coding-DNA position 1643, A replaced by G.
Protein change: p.Tyr548Cys; replaces tyrosine 548 with cysteine.
Molecular consequence: missense variant. On other transcripts: 5 prime UTR variant (1).
Genome position (GRCh38, 1-based): chr18:70,168,901, T>C on the plus strand (A>G on the coding strand, the complement: RTTN is on the minus strand). VCF-style: chr18-70168901-T-C. GRCh37 (hg19) VCF-style: chr18-67836137-T-C.
Other names: c.-1005A>G (NM_001318520.2); short protein forms Y548C.
Identifiers: ClinVar variation 3381394 (VCV003381394.2).
Genomic context (GRCh38, chr18:70,168,901, plus strand): 5'-AAAAAGCTTTTTACCTCTTTCCCAATATCAGACAGGAAGTTACAGGTGCATTCAATTGAA[T>C]AAACGGCCTCTGCAGTTCGTTTATAAATACTGTAGTTTTCAGAATTCAGCTGTTCCAAAT-3'
Protein context (NP_775901.3, residues 538-558): SIYKRTAEAV[Tyr548Cys]SIECTCNFLS